The following is an entry in ClinVar:

NC_000002.11:g.(?_202070585)_(202070716_?)del

Gene: CASP10 (caspase 10; plus strand). Cytogenetic location: 2q33.1.
Variant type: Deletion.
Identifiers: ClinVar variation 3247313 (VCV003247313.1).

ClinVar aggregate classification (germline): Uncertain significance (1 of 4 stars; one submission).

Conditions:
Autoimmune lymphoproliferative syndrome type 2A (ALPS2A). Also called: AUTOIMMUNE LYMPHOPROLIFERATIVE SYNDROME, TYPE IIA; CASP10-Related Autoimmune Lymphoproliferative Syndrome; Autoimmune lymphoproliferative syndrome type 2. Identifiers: Orphanet 3261, MedGen C1858968, MONDO:0011383, OMIM 603909.

Submission:

Labcorp Genetics (formerly Invitae), Labcorp
Classification: Uncertain significance for Autoimmune lymphoproliferative syndrome type 2A. Last evaluated: 2022-12-04. Review status: criteria provided, single submitter. Criteria: Invitae Variant Classification Sherloc (09022015). Collection method: clinical testing. Allele origin: unknown.
Comment: In summary, the available evidence is currently insufficient to determine the role of this variant in disease. Therefore, it has been classified as a Variant of Uncertain Significance. This variant has not been reported in the literature in individuals affected with CASP10-related conditions. This variant is a gross deletion of the genomic region encompassing exon(s) 7 of the CASP10 gene. This deletion is out-of-frame, and is expected to create a premature translational stop signal and result in an absent or disrupted protein product. However, the current clinical and genetic evidence is not sufficient to establish whether loss-of-function variants in CASP10 cause disease.